The following is an entry in ClinVar:

NM_016604.4(KDM3B):c.2181G>A (p.Ser727=)

Gene: KDM3B (lysine demethylase 3B; plus strand). Cytogenetic location: 5q31.2.
Variant type: single nucleotide variant.
Coding change: c.2181G>A on transcript NM_016604.4 (MANE Select); coding-DNA position 2181, G replaced by A.
Protein change: p.Ser727=; no amino-acid change (serine 727 retained).
Molecular consequence: synonymous variant.
Genome position (GRCh38, 1-based): chr5:138,391,813, G>A. VCF-style: chr5-138391813-G-A. GRCh37 (hg19) VCF-style: chr5-137727502-G-A.
Identifiers: ClinVar variation 1701485 (VCV001701485.31), dbSNP rs771447365, ClinGen allele CA3429022.
Genomic context (GRCh38, chr5:138,391,813, plus strand): 5'-CTCAGCTCTTACCAGTGGGGGCCCAAGCCTCTCTGCCATGGGGAATGGCCGCTCCAGCTC[G>A]CCCACCAGCAGCCTCACTCAGCCCATTGAGATGCCAACTCTCTCCTCTAGCCCCACAGAG-3'
Protein context (NP_057688.3, residues 717-737): LSAMGNGRSS[Ser727=]PTSSLTQPIE

ClinVar aggregate classification (germline): Likely benign (1 of 4 stars; one submission).

Allele frequency attached by ClinVar (database versions not stated): gnomAD 0.00001 and 0.00004; ExAC 0.00002; gnomAD exomes 0.00002 and 0.00003; TOPMed 0.00004.
gnomAD v4.1: 47 of 1,613,968 alleles (0.0029%); highest among the groups gnomAD compares: Middle Eastern, 0.082%; 1 homozygote.

Submission:

CeGaT Center for Human Genetics Tuebingen
Classification: Likely benign. Last evaluated: 2022-07-01. Review status: criteria provided, single submitter. Criteria: CeGaT Center For Human Genetics Tuebingen Variant Classification Criteria Version 2. Collection method: clinical testing. Allele origin: germline. Affected: yes. Observed: 1 variant allele.
Comment: KDM3B: BP4, BP7